The following is an entry in ClinVar:

ClinVar aggregate classification (germline): Conflicting classifications of pathogenicity. Review status: criteria provided, conflicting classifications (1 of 4 stars). 7 submissions from 7 submitters: Uncertain significance (5); Likely benign (1). 1 of the submissions does not count toward it. Last evaluated 2025-09-30.

Conditions:
Spermatogenic failure 18. Identifiers: MedGen C4539783, MONDO:0054615, OMIM 617576.
Ciliary dyskinesia, primary, 37 (CILD37). Also called: CILIARY DYSKINESIA, PRIMARY, 37, WITH OR WITHOUT SITUS INVERSUS. Identifiers: MedGen C4539798, MONDO:0033204, OMIM 617577.
DNAH1-related disorder. Also called: DNAH1-related condition.
Primary ciliary dyskinesia. Also called: Ciliary dyskinesia. Identifiers: Orphanet 244, MedGen C0008780, MONDO:0016575, HP:0012265.

Allele frequency attached by ClinVar (database versions not stated): gnomAD 0.00006; TOPMed 0.00017; ESP Exome Variant Server 0.00024.
gnomAD v4.1: 305 of 1,613,958 alleles (0.019%); highest among the groups gnomAD compares: Middle Eastern, 0.43%; no homozygotes.

Submissions (7):

GeneDx
Classification: Uncertain significance. Last evaluated: 2025-09-30. Review status: criteria provided, single submitter. Criteria: GeneDx Variant Classification Process June 2021. Collection method: clinical testing. Allele origin: germline. Affected: yes.
Comment: Observed in multiple individuals from a Qatari Biobank cohort, including two homozygotes; however clinical information was not provided (PMID: 36777185); In silico analysis suggests that this missense variant does not alter protein structure/function; This variant is associated with the following publications: (PMID: 36777185)

Genomic Medicine Center of Excellence, King Faisal Specialist Hospital and Research Centre
Classification: Uncertain significance for Spermatogenic failure 18. Last evaluated: 2025-09-10. Review status: criteria provided, single submitter. Criteria: ACMG Guidelines, 2015. Collection method: clinical testing. Allele origin: germline.

Johns Hopkins Genomics, Johns Hopkins University
Classification: Uncertain significance for Ciliary dyskinesia, primary, 37. Last evaluated: 2025-08-22. Review status: criteria provided, single submitter. Criteria: ACMG Guidelines, 2015. Collection method: clinical testing. Allele origin: germline.
Comment: This DNAH1 missense variant (rs373906923) is present in a large population dataset (gnomAD v4.1.0: 305/1613958 total alleles, MAF 0.01890%, 0 homozygotes; Middle Eastern 26/6062 alleles, MAF 0.4289%, 0 homozygotes). This variant has been reported in ClinVar (Variation ID 478476), and has not been reported in the literature, to our knowledge. Three bioinformatics tools queried predict that the substitution would be tolerated, and while the arginine residue at this position is evolutionarily conserved across most vertebrates assessed, histidine is present in several mammalian species. Due to insufficient evidence, we consider the clinical significance of c.6293G>A to be uncertain at this time.

Blueprint Genetics
Classification: Likely benign. Last evaluated: 2024-10-16. Review status: criteria provided, single submitter. Criteria: ACMG Guidelines, 2015. Collection method: clinical testing. Allele origin: germline.

Labcorp Genetics (formerly Invitae), Labcorp
Classification: Uncertain significance for Ciliary dyskinesia, primary, 37; Spermatogenic failure 18. Last evaluated: 2022-10-17. Review status: criteria provided, single submitter. Criteria: Invitae Variant Classification Sherloc (09022015). Collection method: clinical testing. Allele origin: germline.
Comment: This sequence change replaces arginine, which is basic and polar, with histidine, which is basic and polar, at codon 2098 of the DNAH1 protein (p.Arg2098His). This variant is present in population databases (rs373906923, gnomAD 0.2%). This variant has not been reported in the literature in individuals affected with DNAH1-related conditions. ClinVar contains an entry for this variant (Variation ID: 478476). Advanced modeling of protein sequence and biophysical properties (such as structural, functional, and spatial information, amino acid conservation, physicochemical variation, residue mobility, and thermodynamic stability) performed at Invitae indicates that this missense variant is not expected to disrupt DNAH1 protein function. In summary, the available evidence is currently insufficient to determine the role of this variant in disease. Therefore, it has been classified as a Variant of Uncertain Significance.

UNC Molecular Genetics  Laboratory, University of North Carolina at Chapel Hill
Classification: Uncertain significance for Primary ciliary dyskinesia. Last evaluated: 2020-11-11. Review status: criteria provided, single submitter. Criteria: ACMG Guidelines, 2015. Collection method: clinical testing. Allele origin: germline. Observed: 1 heterozygote.

PreventionGenetics, part of Exact Sciences
Classification: Likely benign for DNAH1-related condition. Last evaluated: 2022-12-01. Review status: no assertion criteria provided. Collection method: clinical testing. Allele origin: germline. Not counted in ClinVar's aggregate classification.
Comment: This variant is classified as likely benign based on ACMG/AMP sequence variant interpretation guidelines (Richards et al. 2015 PMID: 25741868, with internal and published modifications).

NM_015512.5(DNAH1):c.6293G>A (p.Arg2098His)

Gene: DNAH1 (dynein axonemal heavy chain 1; plus strand). Cytogenetic location: 3p21.1.
Variant type: single nucleotide variant.
Coding change: c.6293G>A on transcript NM_015512.5 (MANE Select); coding-DNA position 6293, G replaced by A.
Protein change: p.Arg2098His; replaces arginine 2098 with histidine.
Molecular consequence: missense variant.
Genome position (GRCh38, 1-based): chr3:52,370,511, G>A. VCF-style: chr3-52370511-G-A. GRCh37 (hg19) VCF-style: chr3-52404527-G-A.
Other names: short protein forms R2098H.
Identifiers: ClinVar variation 478476 (VCV000478476.13), dbSNP rs373906923, ClinGen allele CA2434480.
Genomic context (GRCh38, chr3:52,370,511, plus strand): 5'-CCTGATACTGTTCCCTTCATCCCCAGGGCCTCAAGAAAATACCCTCTGAAAAGCTGAGTC[G>A]CATCGTAGAGTTGATCGAGCCCTGGTTCATCTTCTCCCTGATCTGGAGCGTGGGTGCCAC-3'
Protein context (NP_056327.4, residues 2088-2108): LKKIPSEKLS[Arg2098His]IVELIEPWFI